The following is an entry in ClinVar:

ClinVar aggregate classification (germline): Likely benign. Review status: criteria provided, multiple submitters, no conflicts (2 of 4 stars). 4 submissions from 4 submitters: Likely benign (3). 1 of the submissions does not count toward it. Last evaluated 2026-03-01.

Conditions:
Hyperaldosteronism, familial, type IV (HALD4). Also called: FH IV; ALDOSTERONISM, PRIMARY, AND HYPERTENSION. Identifiers: Orphanet 642671, MedGen C4310756, MONDO:0014875, OMIM 617027.
Idiopathic generalized epilepsy. Also called: Generalised epilepsy; EIG. Identifiers: MedGen C0270850, MONDO:0005579, OMIM 600669.
CACNA1H-related disorder.

Allele frequency attached by ClinVar (database versions not stated): gnomAD exomes 0.00080; TOPMed 0.00089; ExAC 0.00107; 1000 Genomes Project 0.00020; 1000 Genomes Project 30x 0.00031; ESP Exome Variant Server 0.00054; gnomAD 0.00067.
gnomAD v4.1: 1,981 of 1,588,932 alleles (0.12%); highest among the groups gnomAD compares: Non-Finnish European, 0.14%; 3 homozygotes.

Submissions (4):

CeGaT Center for Human Genetics Tuebingen
Classification: Likely benign. Last evaluated: 2026-03-01. Review status: criteria provided, single submitter. Criteria: CeGaT Center For Human Genetics Tuebingen Variant Classification Criteria Version 2. Collection method: clinical testing. Allele origin: germline. Affected: yes. Observed: 1 variant allele.
Comment: CACNA1H: BS1

Labcorp Genetics (formerly Invitae), Labcorp
Classification: Likely benign for Idiopathic generalized epilepsy; Hyperaldosteronism, familial, type IV. Last evaluated: 2025-11-25. Review status: criteria provided, single submitter. Criteria: Invitae Variant Classification Sherloc (09022015). Collection method: clinical testing. Allele origin: germline.

Blueprint Genetics
Classification: Likely benign. Last evaluated: 2024-10-24. Review status: criteria provided, single submitter. Criteria: ACMG Guidelines, 2015. Collection method: clinical testing. Allele origin: germline.

PreventionGenetics, part of Exact Sciences
Classification: Likely benign for CACNA1H-related condition. Last evaluated: 2019-11-11. Review status: no assertion criteria provided. Collection method: clinical testing. Allele origin: germline. Not counted in ClinVar's aggregate classification.
Comment: This variant is classified as likely benign based on ACMG/AMP sequence variant interpretation guidelines (Richards et al. 2015 PMID: 25741868, with internal and published modifications).

NM_021098.3(CACNA1H):c.3629C>T (p.Pro1210Leu)

Gene: CACNA1H (calcium voltage-gated channel subunit alpha1 H; plus strand). Cytogenetic location: 16p13.3.
Variant type: single nucleotide variant.
Coding change: c.3629C>T on transcript NM_021098.3 (MANE Select); coding-DNA position 3629, C replaced by T.
Protein change: p.Pro1210Leu; replaces proline 1210 with leucine.
Molecular consequence: missense variant.
Genome position (GRCh38, 1-based): chr16:1,209,297, C>T. VCF-style: chr16-1209297-C-T. GRCh37 (hg19) VCF-style: chr16-1259297-C-T.
Other names: c.3629C>T, p.Pro1210Leu (NM_001005407.2); short protein forms P1210L.
Identifiers: ClinVar variation 529620 (VCV000529620.18), dbSNP rs61319429, ClinGen allele CA7800822.